The following is an entry in ClinVar:

NM_001378778.1(MPDZ):c.5037+4T>C

Gene: MPDZ (multiple PDZ domain crumbs cell polarity complex component; minus strand). Cytogenetic location: 9p23.
Variant type: single nucleotide variant.
Coding change: c.5037+4T>C on transcript NM_001378778.1 (MANE Select); 4 bases into the intron after coding-DNA position 5037, T replaced by C.
Molecular consequence: intron variant.
Genome position (GRCh38, 1-based): chr9:13,122,083, A>G on the plus strand (T>C on the coding strand, the complement: MPDZ is on the minus strand). VCF-style: chr9-13122083-A-G. GRCh37 (hg19) VCF-style: chr9-13122082-A-G.
Other names: c.4827+4T>C (NM_001375425.1, NM_001375420.1, NM_001375423.1 and 4 more transcripts); c.4938+4T>C (NM_001375419.1, NM_001375416.1, NM_001375418.1 and 3 more transcripts); c.5037+4T>C (NM_001330637.2, NM_003829.5); c.4629+4T>C (NM_001375427.1); c.5136+4T>C (NM_001375413.1).
Identifiers: ClinVar variation 1519656 (VCV001519656.6), dbSNP rs765217720, ClinGen allele CA4986478.

ClinVar aggregate classification (germline): Uncertain significance (1 of 4 stars; one submission).

Allele frequency attached by ClinVar (database versions not stated): gnomAD exomes below 0.00001 and 0.00001; TOPMed below 0.00001; ExAC 0.00001.
gnomAD v4.1: 6 of 1,612,836 alleles (0.00037%); highest among the groups gnomAD compares: South Asian, 0.0033%; no homozygotes.

Submission:

Labcorp Genetics (formerly Invitae), Labcorp
Classification: Uncertain significance. Last evaluated: 2022-08-16. Review status: criteria provided, single submitter. Criteria: Invitae Variant Classification Sherloc (09022015). Collection method: clinical testing. Allele origin: germline.
Comment: Variants that disrupt the consensus splice site are a relatively common cause of aberrant splicing (PMID: 17576681, 9536098). Algorithms developed to predict the effect of sequence changes on RNA splicing suggest that this variant is not likely to affect RNA splicing. In summary, the available evidence is currently insufficient to determine the role of this variant in disease. Therefore, it has been classified as a Variant of Uncertain Significance. ClinVar contains an entry for this variant (Variation ID: 1519656). This variant has not been reported in the literature in individuals affected with MPDZ-related conditions. This variant is present in population databases (rs765217720, gnomAD 0.006%). This sequence change falls in intron 37 of the MPDZ gene. It does not directly change the encoded amino acid sequence of the MPDZ protein. It affects a nucleotide within the consensus splice site.

Literature cited by the submitters: PubMed 17576681; PubMed 9536098.